The following is an entry in ClinVar:

ClinVar aggregate classification (germline): Likely pathogenic (1 of 4 stars; one submission).

Conditions:
Beta-thalassemia HBB/LCRB. Identifiers: MedGen CN322236, MONDO:0013517, OMIM 613985.

Submission:

Juno Genomics, Hangzhou Juno Genomics, Inc
Classification: Likely pathogenic for Beta-thalassemia HBB/LCRB. Review status: criteria provided, single submitter. Criteria: ACMG Guidelines, 2015. Collection method: clinical testing. Allele origin: germline.
Comment: Absent from controls (or at extremely low frequency if recessive) in Genome Aggregation Database.;Null variant in a gene where loss of function (LOF) is a known mechanism of disease.

NM_000518.5(HBB):c.91_93-3del (p.Arg31=)

Genes: HBB (hemoglobin subunit beta; minus strand), LOC106099062 (HBB recombination region; plus strand), LOC107133510 (origin of replication at HBB; plus strand). Cytogenetic location: 11p15.4.
Variant type: Deletion.
Coding change: c.91_93-3del on transcript NM_000518.5 (MANE Select); coding-DNA position 91 through 3 bases into the intron before coding-DNA position 93, 130 bases deleted.
Protein change: p.Arg31=; no amino-acid change (arginine 31 retained).
Molecular consequence: splice acceptor variant, splice donor variant, no sequence alteration.
Genome position (GRCh38, 1-based): chr11:5,226,799-5,226,928, 130 bases deleted. GRCh37 (hg19): chr11:5,248,032-5,248,161.
Other names: c.92+2_93del (NM_000518.5).
Identifiers: ClinVar variation 5019560 (VCV005019560.2).